The following is an entry in ClinVar:

NM_005035.4(POLRMT):c.1833C>G (p.Ser611=)

Gene: POLRMT (RNA polymerase mitochondrial; minus strand). Cytogenetic location: 19p13.3.
Variant type: single nucleotide variant.
Coding change: c.1833C>G on transcript NM_005035.4 (MANE Select); coding-DNA position 1833, C replaced by G.
Protein change: p.Ser611=; no amino-acid change (serine 611 retained).
Molecular consequence: synonymous variant.
Genome position (GRCh38, 1-based): chr19:622,167, G>C on the plus strand (C>G on the coding strand, the complement: POLRMT is on the minus strand). VCF-style: chr19-622167-G-C. GRCh37 (hg19) VCF-style: chr19-622167-G-C.
Identifiers: ClinVar variation 710579 (VCV000710579.28), dbSNP rs142327145, ClinGen allele CA9020154.

ClinVar aggregate classification (germline): Benign/Likely benign. Review status: criteria provided, multiple submitters, no conflicts (2 of 4 stars). 3 submissions from 3 submitters: Benign (1); Likely benign (2). Last evaluated 2026-01-01.

Allele frequency attached by ClinVar (database versions not stated): 1000 Genomes Project 0.00080; 1000 Genomes Project 30x 0.00109; ESP Exome Variant Server 0.00116; TOPMed 0.00130.
gnomAD v4.1: 3,418 of 1,563,904 alleles (0.22%); highest among the groups gnomAD compares: Non-Finnish European, 0.27%; 8 homozygotes.

Submissions (3):

CeGaT Center for Human Genetics Tuebingen
Classification: Likely benign. Last evaluated: 2026-01-01. Review status: criteria provided, single submitter. Criteria: CeGaT Center For Human Genetics Tuebingen Variant Classification Criteria Version 2. Collection method: clinical testing. Allele origin: germline. Affected: yes. Observed: 6 variant alleles.
Comment: POLRMT: BP4, BP7

Blueprint Genetics
Classification: Likely benign. Last evaluated: 2024-11-27. Review status: criteria provided, single submitter. Criteria: ACMG Guidelines, 2015. Collection method: clinical testing. Allele origin: germline.

Labcorp Genetics (formerly Invitae), Labcorp
Classification: Benign. Last evaluated: 2018-03-28. Review status: criteria provided, single submitter. Criteria: Invitae Variant Classification Sherloc (09022015). Collection method: clinical testing. Allele origin: germline.